The following is an entry in ClinVar:

NM_004006.3(DMD):c.5972T>G (p.Leu1991Trp)

Gene: DMD (dystrophin; minus strand). Cytogenetic location: Xp21.1.
Variant type: single nucleotide variant.
Coding change: c.5972T>G on transcript NM_004006.3 (MANE Select); coding-DNA position 5972, T replaced by G.
Protein change: p.Leu1991Trp; replaces leucine 1991 with tryptophan.
Molecular consequence: missense variant.
Genome position (GRCh38, 1-based): chrX:32,310,227, A>C on the plus strand (T>G on the coding strand, the complement: DMD is on the minus strand). VCF-style: chrX-32310227-A-C. GRCh37 (hg19) VCF-style: chrX-32328344-A-C.
Other names: c.5948T>G, p.Leu1983Trp (NM_000109.4); c.5960T>G, p.Leu1987Trp (NM_004009.3); c.5603T>G, p.Leu1868Trp (NM_004010.3); c.1949T>G, p.Leu650Trp (NM_004011.4); c.1940T>G, p.Leu647Trp (NM_004012.4); short protein forms L1868W, L1987W, L1983W, L1991W, L650W, L647W.
Identifiers: ClinVar variation 1909351 (VCV001909351.4), dbSNP rs2520270051, ClinGen allele CA412669999.

ClinVar aggregate classification (germline): Uncertain significance (1 of 4 stars; one submission).

Conditions:
Duchenne muscular dystrophy (DMD). Also called: MUSCULAR DYSTROPHY, PSEUDOHYPERTROPHIC PROGRESSIVE, DUCHENNE TYPE; Duchenne Muscular Dystrophy (DMD). Identifiers: Orphanet 98896, MedGen C0013264, MONDO:0010679, OMIM 310200.

Submission:

Labcorp Genetics (formerly Invitae), Labcorp
Classification: Uncertain significance for Duchenne muscular dystrophy. Last evaluated: 2026-01-18. Review status: criteria provided, single submitter. Criteria: Invitae Variant Classification Sherloc (09022015). Collection method: clinical testing. Allele origin: germline.
Comment: This sequence change replaces leucine, which is neutral and non-polar, with tryptophan, which is neutral and slightly polar, at codon 1991 of the DMD protein (p.Leu1991Trp). This variant is not present in population databases (gnomAD no frequency). This variant has not been reported in the literature in individuals affected with DMD-related conditions. ClinVar contains an entry for this variant (Variation ID: 1909351). Invitae Evidence Modeling of protein sequence and biophysical properties (such as structural, functional, and spatial information, amino acid conservation, physicochemical variation, residue mobility, and thermodynamic stability) indicates that this missense variant is not expected to disrupt DMD protein function with a negative predictive value of 95%. In summary, the available evidence is currently insufficient to determine the role of this variant in disease. Therefore, it has been classified as a Variant of Uncertain Significance.